The following is an entry in ClinVar:

ClinVar aggregate classification (germline): Uncertain significance. Review status: criteria provided, multiple submitters, no conflicts (2 of 4 stars). 3 submissions from 3 submitters: Uncertain significance (3). Last evaluated 2022-07-24.

Conditions:
Hereditary cancer-predisposing syndrome. Also called: Hereditary neoplastic syndrome; Neoplastic Syndromes, Hereditary; Tumor predisposition; Hereditary Cancer Syndrome. Identifiers: Orphanet 140162, MedGen C0027672, MeSH D009386, MONDO:0015356.
Hereditary breast ovarian cancer syndrome. Also called: Hereditary breast and ovarian cancer syndrome (HBOC); Breast and ovarian cancer; Hereditary breast and/or ovarian cancer syndrome; BRCA1- and BRCA2-Associated Hereditary Breast and Ovarian Cancer; Hereditary breast and ovarian cancer syndrome; Hereditary breast and ovarian cancer. Identifiers: Orphanet 145, MedGen C0677776, MeSH D061325, MONDO:0003582. Disease mechanism: loss of function.

Submissions (3):

Labcorp Genetics (formerly Invitae), Labcorp
Classification: Uncertain significance for Hereditary breast ovarian cancer syndrome. Last evaluated: 2022-07-24. Review status: criteria provided, single submitter. Criteria: Invitae Variant Classification Sherloc (09022015). Collection method: clinical testing. Allele origin: germline.
Comment: In summary, the available evidence is currently insufficient to determine the role of this variant in disease. Therefore, it has been classified as a Variant of Uncertain Significance. Advanced modeling of protein sequence and biophysical properties (such as structural, functional, and spatial information, amino acid conservation, physicochemical variation, residue mobility, and thermodynamic stability) performed at Invitae indicates that this missense variant is not expected to disrupt BRCA1 protein function. ClinVar contains an entry for this variant (Variation ID: 185283). This variant has not been reported in the literature in individuals affected with BRCA1-related conditions. This variant is present in population databases (rs747688901, gnomAD 0.003%). This sequence change replaces glutamine, which is neutral and polar, with histidine, which is basic and polar, at codon 1612 of the BRCA1 protein (p.Gln1612His).

Ambry Genetics
Classification: Uncertain significance for Hereditary cancer-predisposing syndrome. Last evaluated: 2020-09-17. Review status: criteria provided, single submitter. Criteria: Ambry Variant Classification Scheme 2023. Collection method: clinical testing. Allele origin: germline.
Comment: The p.Q1612H variant (also known as c.4836G>C), located in coding exon 14 of the BRCA1 gene, results from a G to C substitution at nucleotide position 4836. The glutamine at codon 1612 is replaced by histidine, an amino acid with highly similar properties. This amino acid position is poorly conserved in available vertebrate species. In addition, the in silico prediction for this alteration is inconclusive. Since supporting evidence is limited at this time, the clinical significance of this alteration remains unclear.

Color Diagnostics, LLC DBA Color Health
Classification: Uncertain significance for Hereditary cancer-predisposing syndrome. Last evaluated: 2019-04-18. Review status: criteria provided, single submitter. Criteria: ACMG Guidelines, 2015. Collection method: clinical testing. Allele origin: germline.

NM_007294.4(BRCA1):c.4836G>C (p.Gln1612His)

Gene: BRCA1 (BRCA1 DNA repair associated; minus strand). Cytogenetic location: 17q21.31.
Variant type: single nucleotide variant.
Coding change: c.4836G>C on transcript NM_007294.4 (MANE Select); coding-DNA position 4836, G replaced by C.
Protein change: p.Gln1612His; replaces glutamine 1612 with histidine.
Molecular consequence: missense variant. On other transcripts: non-coding transcript variant (1).
Genome position (GRCh38, 1-based): chr17:43,071,078, C>G on the plus strand (G>C on the coding strand, the complement: BRCA1 is on the minus strand). VCF-style: chr17-43071078-C-G. GRCh37 (hg19) VCF-style: chr17-41223095-C-G.
Other names: c.4623G>C, p.Gln1541His (NM_001407571.1, NM_001407894.1, NM_001407895.1 and 12 more transcripts); c.4902G>C, p.Gln1634His (NM_001407581.1, NM_001407582.1); c.4692G>C, p.Gln1564His (NM_001407732.1, NM_001407733.1, NM_001407734.1 and 21 more transcripts); c.4899G>C, p.Gln1633His (NM_001407583.1, NM_001407585.1, NM_001407587.1 and 1 more transcripts); c.4896G>C, p.Gln1632His (NM_001407590.1, NM_001407591.1); c.4836G>C, p.Gln1612His (NM_001407593.1, NM_001407594.1, NM_001407596.1 and 8 more transcripts); c.4833G>C, p.Gln1611His (NM_001407610.1, NM_001407611.1, NM_001407612.1 and 17 more transcripts); c.4689G>C, p.Gln1563His (NM_001407838.1, NM_001407839.1, NM_001407841.1 and 12 more transcripts); and 70 more; short protein forms Q1612H, Q508H, Q1565H, Q1633H, Q1316H, Q1540H, Q1570H, Q1584H.
Identifiers: ClinVar variation 185283 (VCV000185283.13), dbSNP rs747688901, ClinGen allele CA003042.